The following is an entry in ClinVar:

ClinVar aggregate classification (germline): Likely benign. Review status: criteria provided, multiple submitters, no conflicts (2 of 4 stars). 3 submissions from 3 submitters: Likely benign (3). Last evaluated 2026-06-25.

Conditions:
SLC2A2-related disorder. Also called: SLC2A2-related condition.
Fanconi-Bickel syndrome (FBS). Also called: FANCONI SYNDROME WITH INTESTINAL MALABSORPTION AND GALACTOSE INTOLERANCE; HEPATIC GLYCOGENOSIS WITH AMINO ACIDURIA AND GLUCOSURIA; HEPATIC GLYCOGENOSIS WITH FANCONI NEPHROPATHY; HEPATORENAL GLYCOGENOSIS WITH RENAL FANCONI SYNDROME; PSEUDO-PHLORIZIN DIABETES; Glycogen storage disease due to GLUT2 deficiency. Identifiers: Orphanet 2088, MedGen C3495427, MONDO:0009216, OMIM 227810.

Allele frequency attached by ClinVar (database versions not stated): gnomAD 0.00002 and 0.00004; TOPMed 0.00005; ExAC 0.00007; 1000 Genomes Project 0.00060; 1000 Genomes Project 30x 0.00062.
gnomAD v4.1: 36 of 1,614,044 alleles (0.0022%); highest among the groups gnomAD compares: East Asian, 0.076%; no homozygotes.

Submissions (3):

PreventionGenetics, part of Exact Sciences
Classification: Likely benign for SLC2A2-related condition. Last evaluated: 2026-06-25. Review status: criteria provided, single submitter. Criteria: ACMG Guidelines, 2015. Collection method: clinical testing. Allele origin: germline.
Comment: This variant is classified as likely benign based on ACMG/AMP sequence variant interpretation guidelines (Richards et al. 2015 PMID: 25741868, with internal and published modifications).

Labcorp Genetics (formerly Invitae), Labcorp
Classification: Likely benign for Fanconi-Bickel syndrome. Last evaluated: 2023-04-23. Review status: criteria provided, single submitter. Criteria: Invitae Variant Classification Sherloc (09022015). Collection method: clinical testing. Allele origin: germline.

GeneDx
Classification: Likely benign. Last evaluated: 2016-11-18. Review status: criteria provided, single submitter. Criteria: GeneDx Variant Classification (06012015). Collection method: clinical testing. Allele origin: germline. Affected: yes.
Comment: This variant is considered likely benign or benign based on one or more of the following criteria: it is a conservative change, it occurs at a poorly conserved position in the protein, it is predicted to be benign by multiple in silico algorithms, and/or has population frequency not consistent with disease.

NM_000340.2(SLC2A2):c.162A>G (p.Lys54=)

Gene: SLC2A2 (solute carrier family 2 member 2; minus strand). Cytogenetic location: 3q26.2.
Variant type: single nucleotide variant.
Coding change: c.162A>G on transcript NM_000340.2 (MANE Select); coding-DNA position 162, A replaced by G.
Protein change: p.Lys54=; no amino-acid change (lysine 54 retained).
Molecular consequence: synonymous variant. On other transcripts: 5 prime UTR variant (1), intron variant (1).
Genome position (GRCh38, 1-based): chr3:171,014,678, T>C on the plus strand (A>G on the coding strand, the complement: SLC2A2 is on the minus strand). VCF-style: chr3-171014678-T-C. GRCh37 (hg19) VCF-style: chr3-170732467-T-C.
Other names: c.-233A>G (NM_001278659.2); c.14+3853A>G (NM_001278658.2).
Identifiers: ClinVar variation 389405 (VCV000389405.11), dbSNP rs546539032, ClinGen allele CA2702745.